The following is an entry in ClinVar:

NM_004304.5(ALK):c.1388A>G (p.Gln463Arg)

Gene: ALK (ALK receptor tyrosine kinase; minus strand). Cytogenetic location: 2p23.2.
Variant type: single nucleotide variant.
Coding change: c.1388A>G on transcript NM_004304.5 (MANE Select); coding-DNA position 1388, A replaced by G.
Protein change: p.Gln463Arg; replaces glutamine 463 with arginine.
Molecular consequence: missense variant.
Genome position (GRCh38, 1-based): chr2:29,328,376, T>C on the plus strand (A>G on the coding strand, the complement: ALK is on the minus strand). VCF-style: chr2-29328376-T-C. GRCh37 (hg19) VCF-style: chr2-29551242-T-C.
Other names: short protein forms Q463R.
Identifiers: ClinVar variation 1771449 (VCV001771449.8), dbSNP rs1410138765, ClinGen allele CA346474140.

ClinVar aggregate classification (germline): Uncertain significance. Review status: criteria provided, multiple submitters, no conflicts (2 of 4 stars). 2 submissions from 2 submitters: Uncertain significance (2). Last evaluated 2025-11-17.

Conditions:
Neuroblastoma, susceptibility to, 3. Also called: ALK-Related Neuroblastic Tumor Susceptibility. Identifiers: Orphanet 635, MedGen C2751681, MONDO:0013083, OMIM 613014.
Hereditary cancer-predisposing syndrome. Also called: Tumor predisposition; Neoplastic Syndromes, Hereditary; Hereditary Cancer Syndrome; Hereditary neoplastic syndrome. Identifiers: Orphanet 140162, MedGen C0027672, MeSH D009386, MONDO:0015356.

Allele frequency attached by ClinVar (database versions not stated): TOPMed below 0.00001.

Submissions (2):

Labcorp Genetics (formerly Invitae), Labcorp
Classification: Uncertain significance for Neuroblastoma, susceptibility to, 3. Last evaluated: 2025-11-17. Review status: criteria provided, single submitter. Criteria: Invitae Variant Classification Sherloc (09022015). Collection method: clinical testing. Allele origin: germline.
Comment: This sequence change replaces glutamine, which is neutral and polar, with arginine, which is basic and polar, at codon 463 of the ALK protein (p.Gln463Arg). This variant is not present in population databases (gnomAD no frequency). This variant has not been reported in the literature in individuals affected with ALK-related conditions. ClinVar contains an entry for this variant (Variation ID: 1771449). An algorithm developed to predict the effect of missense changes on protein structure and function outputs the following: PolyPhen-2: "Benign". The arginine amino acid residue is found in multiple mammalian species, which suggests that this missense change does not adversely affect protein function. In summary, the available evidence is currently insufficient to determine the role of this variant in disease. Therefore, it has been classified as a Variant of Uncertain Significance.

Ambry Genetics
Classification: Uncertain significance for Hereditary cancer-predisposing syndrome. Last evaluated: 2024-10-28. Review status: criteria provided, single submitter. Criteria: Ambry Variant Classification Scheme 2023. Collection method: clinical testing. Allele origin: germline.
Comment: The p.Q463R variant (also known as c.1388A>G), located in coding exon 6 of the ALK gene, results from an A to G substitution at nucleotide position 1388. The glutamine at codon 463 is replaced by arginine, an amino acid with highly similar properties. This amino acid position is conserved. In addition, this alteration is predicted to be tolerated by in silico analysis. Since supporting evidence is limited at this time, the clinical significance of this alteration remains unclear.